The following is an entry in ClinVar:

ClinVar aggregate classification (germline): Uncertain significance (1 of 4 stars; one submission).

Submission:

GeneDx
Classification: Uncertain significance. Last evaluated: 2025-03-27. Review status: criteria provided, single submitter. Criteria: GeneDx Variant Classification Process June 2021. Collection method: clinical testing. Allele origin: germline. Affected: yes.
Comment: Not observed at significant frequency in large population cohorts (gnomAD); In silico analysis indicates that this missense variant does not alter protein structure/function; Has not been previously published as pathogenic or benign to our knowledge

NM_015057.5(MYCBP2):c.3380G>C (p.Gly1127Ala)

Gene: MYCBP2 (MYC binding protein 2; minus strand). Cytogenetic location: 13q22.3.
Variant type: single nucleotide variant.
Coding change: c.3380G>C on transcript NM_015057.5 (MANE Select); coding-DNA position 3380, G replaced by C.
Protein change: p.Gly1127Ala; replaces glycine 1127 with alanine.
Molecular consequence: missense variant.
Genome position (GRCh38, 1-based): chr13:77,211,203, C>G on the plus strand (G>C on the coding strand, the complement: MYCBP2 is on the minus strand). VCF-style: chr13-77211203-C-G. GRCh37 (hg19) VCF-style: chr13-77785338-C-G.
Other names: short protein forms G1127A.
Identifiers: ClinVar variation 4087830 (VCV004087830.1).